The following is an entry in ClinVar:

NM_000700.3(ANXA1):c.668C>A (p.Thr223Asn)

Gene: ANXA1 (annexin A1; plus strand). Cytogenetic location: 9q21.13.
Variant type: single nucleotide variant.
Coding change: c.668C>A on transcript NM_000700.3 (MANE Select); coding-DNA position 668, C replaced by A.
Protein change: p.Thr223Asn; replaces threonine 223 with asparagine.
Molecular consequence: missense variant.
Genome position (GRCh38, 1-based): chr9:73,165,171, C>A. VCF-style: chr9-73165171-C-A. GRCh37 (hg19) VCF-style: chr9-75780087-C-A.
Other names: short protein forms T223N.
Identifiers: ClinVar variation 3040889 (VCV003040889.2), dbSNP rs144643143, ClinGen allele CA5083070.

ClinVar aggregate classification (germline): Benign (0 of 4 stars; one submission).

Conditions:
ANXA1-related disorder. Also called: ANXA1-related condition.

Allele frequency attached by ClinVar (database versions not stated): ESP Exome Variant Server 0.00015; TOPMed 0.00039; gnomAD 0.00040; ExAC 0.00053; 1000 Genomes Project 30x 0.00156; 1000 Genomes Project 0.00180.
gnomAD v4.1: 339 of 1,612,780 alleles (0.021%); highest among the groups gnomAD compares: East Asian, 0.49%; 1 homozygote.

Submission:

PreventionGenetics, part of Exact Sciences
Classification: Benign for ANXA1-related condition. Last evaluated: 2019-09-18. Review status: no assertion criteria provided. Collection method: clinical testing. Allele origin: germline.
Comment: This variant is classified as benign based on ACMG/AMP sequence variant interpretation guidelines (Richards et al. 2015 PMID: 25741868, with internal and published modifications).